The following is an entry in ClinVar:

NM_000127.3(EXT1):c.411dup (p.Ile138fs)

Gene: EXT1 (exostosin glycosyltransferase 1; minus strand). Cytogenetic location: 8q24.11.
Variant type: Duplication.
Coding change: c.411dup on transcript NM_000127.3 (MANE Select); coding-DNA position 411, one base duplicated (C; older notation c.411dupC).
Protein change: p.Ile138fs; shifts the reading frame from isoleucine 138.
Molecular consequence: frameshift variant.
Genome position (GRCh38, 1-based): chr8:118,110,636, G duplicated on the plus strand (C on the coding strand, the reverse complement: EXT1 is on the minus strand); the first of 2 consecutive G bases (chr8:118,110,636-118,110,637); duplicating either gives the same sequence. VCF-style (leftmost placement, unchanged base first): chr8-118110635-T-TG. GRCh37 (hg19) VCF-style: chr8-119122874-T-TG.
Other names: short protein forms I138fs.
Identifiers: ClinVar variation 4852022 (VCV004852022.1).

ClinVar aggregate classification (germline): Pathogenic (1 of 4 stars; one submission).

Conditions:
Exostoses, multiple, type 1 (EXT1). Also called: EXOSTOSES, MULTIPLE, TYPE I; Hereditary Multiple Osteochondromatosis, Type I. Identifiers: MedGen CN263289, MONDO:0007585, OMIM 133700.

Submission:

Clinical Biomedical Laboratory, Shriners Hospital For Children - Canada
Classification: Pathogenic for Exostoses, multiple, type 1. Review status: criteria provided, single submitter. Criteria: ACMG Guidelines, 2015. Collection method: clinical testing. Allele origin: germline. Affected: yes.
Comment: This variant is expected to lead to degradation of the affected transcript and loss of function. Heterozygous loss of function variants in EXT1 are associated with multiple exostoses, which corresponds to the clinical diagnosis of the proband. In the Genome Aggregation Database (gnomAD v2.1.1) this variant is absent, indicating it is very rare. Based on the ACMG variant interpretation guidelines (criteria: PVS1, PM2, PP4), this is a pathogenic variant.